The following is an entry in ClinVar:

NM_020822.3(KCNT1):c.3039C>T (p.Thr1013=)

Gene: KCNT1 (potassium sodium-activated channel subfamily T member 1; plus strand). Cytogenetic location: 9q34.3.
Variant type: single nucleotide variant.
Coding change: c.3039C>T on transcript NM_020822.3 (MANE Select); coding-DNA position 3039, C replaced by T.
Protein change: p.Thr1013=; no amino-acid change (threonine 1013 retained).
Molecular consequence: synonymous variant.
Genome position (GRCh38, 1-based): chr9:135,784,772, C>T. VCF-style: chr9-135784772-C-T. GRCh37 (hg19) VCF-style: chr9-138676618-C-T.
Other names: c.2904C>T, p.Thr968= (NM_001272003.2).
Identifiers: ClinVar variation 387810 (VCV000387810.19), dbSNP rs148001061, ClinGen allele CA5327593.
Genomic context (GRCh38, chr9:135,784,772, plus strand): 5'-TCTGGGTGCTGCCACCTGCCCCAGCCAACTCAGGGTTCCCACCCTGCAGATGAAAATCAC[C>T]GAGGGCGACCTGTGGATCCGCACGTACGGCCGCCTCTTCCAGAAGCTCTGCTCCTCCAGC-3'
Protein context (NP_065873.2, residues 1003-1023): GSGYLCAMKI[Thr1013=]EGDLWIRTYG

ClinVar aggregate classification (germline): Benign/Likely benign. Review status: criteria provided, multiple submitters, no conflicts (2 of 4 stars). 6 submissions from 5 submitters: Benign (1); Likely benign (5). Last evaluated 2026-01-03.

Conditions:
KCNT1-related disorder. Also called: KCNT1-related condition.
Inborn genetic diseases. Identifiers: MedGen C0950123, MeSH D030342.
Developmental and epileptic encephalopathy, 14 (DEE14). Also called: Early infantile epileptic encephalopathy 14. Identifiers: Orphanet 293181, MedGen C3554195, MONDO:0013989, OMIM 614959.
Autosomal dominant nocturnal frontal lobe epilepsy 5. Also called: Epilepsy, nocturnal frontal lobe, 5; KCNT1-Related Epilepsy; CILIARY DYSKINESIA, PRIMARY, 28, WITHOUT SITUS INVERSUS; CILIARY DYSKINESIA, PRIMARY, 28, WITH SITUS INVERSUS. Identifiers: Orphanet 98784, MedGen C3554306, MONDO:0014002, OMIM 615005.

Allele frequency attached by ClinVar (database versions not stated): 1000 Genomes Project 30x 0.00031; 1000 Genomes Project 0.00040; gnomAD 0.00009; TOPMed 0.00012; ExAC 0.00016; gnomAD exomes 0.00016 and 0.00004; ESP Exome Variant Server 0.00008.
gnomAD v4.1: 75 of 1,612,586 alleles (0.0047%); highest among the groups gnomAD compares: Admixed American, 0.057%; no homozygotes.

Submissions (6):

Labcorp Genetics (formerly Invitae), Labcorp
Classification: Benign for Autosomal dominant nocturnal frontal lobe epilepsy 5; Developmental and epileptic encephalopathy, 14. Last evaluated: 2026-01-03. Review status: criteria provided, single submitter. Criteria: Invitae Variant Classification Sherloc (09022015). Collection method: clinical testing. Allele origin: germline.

PreventionGenetics, part of Exact Sciences
Classification: Likely benign for KCNT1-related condition. Last evaluated: 2024-11-22. Review status: criteria provided, single submitter. Criteria: ACMG Guidelines, 2015. Collection method: clinical testing. Allele origin: germline.
Comment: This variant is classified as likely benign based on ACMG/AMP sequence variant interpretation guidelines (Richards et al. 2015 PMID: 25741868, with internal and published modifications).

Genome-Nilou Lab
Classification: Likely benign for Developmental and epileptic encephalopathy, 14. Last evaluated: 2022-03-15. Review status: criteria provided, single submitter. Criteria: ACMG Guidelines, 2015. Collection method: clinical testing. Allele origin: germline. Affected: no.

Genome-Nilou Lab
Classification: Likely benign for Autosomal dominant nocturnal frontal lobe epilepsy 5. Last evaluated: 2022-03-15. Review status: criteria provided, single submitter. Criteria: ACMG Guidelines, 2015. Collection method: clinical testing. Allele origin: germline. Affected: no.

GeneDx
Classification: Likely benign. Last evaluated: 2021-04-23. Review status: criteria provided, single submitter. Criteria: GeneDx Variant Classification Process June 2021. Collection method: clinical testing. Allele origin: germline. Affected: yes.

Ambry Genetics
Classification: Likely benign for Inborn genetic diseases. Last evaluated: 2017-07-10. Review status: criteria provided, single submitter. Criteria: Ambry Variant Classification Scheme 2023. Collection method: clinical testing. Allele origin: germline.